The following is an entry in ClinVar:

ClinVar aggregate classification (germline): Pathogenic/Likely pathogenic. Review status: criteria provided, multiple submitters, no conflicts (2 of 4 stars). 4 submissions from 4 submitters: Pathogenic (1); Likely pathogenic (2). 1 of the submissions does not count toward it. Last evaluated 2024-04-19.

Conditions:
Xeroderma pigmentosum, group C (XPC). Also called: XPC-Related Xeroderma Pigmentosum; Xeroderma pigmentosum, complementation group C; XERODERMA PIGMENTOSUM III; XP, GROUP C. Identifiers: Orphanet 910, MedGen C2752147, MONDO:0010211, OMIM 278720.

gnomAD v4.1: 1 of 1,614,048 alleles (0.000062%); highest among the groups gnomAD compares: South Asian, 0.0011%; no homozygotes.

Submissions (4):

Fulgent Genetics
Classification: Likely pathogenic for Xeroderma pigmentosum, group C. Last evaluated: 2024-04-19. Review status: criteria provided, single submitter. Criteria: ACMG Guidelines, 2015. Collection method: clinical testing. Allele origin: germline.

Labcorp Genetics (formerly Invitae), Labcorp
Classification: Pathogenic. Last evaluated: 2024-03-09. Review status: criteria provided, single submitter. Criteria: Invitae Variant Classification Sherloc (09022015). Collection method: clinical testing. Allele origin: germline.
Comment: This sequence change creates a premature translational stop signal (p.Glu740*) in the XPC gene. It is expected to result in an absent or disrupted protein product. Loss-of-function variants in XPC are known to be pathogenic (PMID: 23173980, 25256075). This variant is present in population databases (no rsID available, gnomAD 0.003%). This variant has not been reported in the literature in individuals affected with XPC-related conditions. ClinVar contains an entry for this variant (Variation ID: 557140). For these reasons, this variant has been classified as Pathogenic.

Baylor Genetics
Classification: Likely pathogenic for Xeroderma pigmentosum, group C. Last evaluated: 2022-10-20. Review status: criteria provided, single submitter. Criteria: ACMG Guidelines, 2015. Collection method: clinical testing. Allele origin: unknown.

Counsyl
Classification: Likely pathogenic for Xeroderma pigmentosum, group C. Last evaluated: 2018-03-05. Review status: no assertion criteria provided. Collection method: clinical testing. Allele origin: unknown. Not counted in ClinVar's aggregate classification.

Literature cited by the submitters: PubMed 23173980 (cited by Labcorp Genetics (formerly Invitae), Labcorp); PubMed 25256075 (cited by Labcorp Genetics (formerly Invitae), Labcorp).

NM_004628.5(XPC):c.2218G>T (p.Glu740Ter)

Gene: XPC (XPC complex subunit, DNA damage recognition and repair factor; minus strand). Cytogenetic location: 3p25.1.
Variant type: single nucleotide variant.
Coding change: c.2218G>T on transcript NM_004628.5 (MANE Select); coding-DNA position 2218, G replaced by T.
Protein change: p.Glu740Ter; replaces glutamic acid 740 with a stop codon.
Molecular consequence: nonsense. On other transcripts: non-coding transcript variant (2).
Genome position (GRCh38, 1-based): chr3:14,148,846, C>A on the plus strand (G>T on the coding strand, the complement: XPC is on the minus strand). VCF-style: chr3-14148846-C-A. GRCh37 (hg19) VCF-style: chr3-14190346-C-A.
Other names: c.1639G>T, p.Glu547Ter (NM_001354726.2); c.2212G>T, p.Glu738Ter (NM_001354727.2); c.2200G>T, p.Glu734Ter (NM_001354729.2); c.1972G>T, p.Glu658Ter (NM_001354730.2); short protein forms E740*, E547*, E734*, E658*, E738*.
Identifiers: ClinVar variation 557140 (VCV000557140.12), dbSNP rs770308917, ClinGen allele CA351538080.